The following is an entry in ClinVar:

ClinVar aggregate classification (germline): Conflicting classifications of pathogenicity. Review status: criteria provided, conflicting classifications (1 of 4 stars). 2 submissions from 2 submitters: Pathogenic (1); Uncertain significance (1). Last evaluated 2022-03-02.

Conditions:
Hereditary cancer-predisposing syndrome. Also called: Hereditary Cancer Syndrome; Neoplastic Syndromes, Hereditary; Tumor predisposition; Hereditary neoplastic syndrome. Identifiers: Orphanet 140162, MedGen C0027672, MeSH D009386, MONDO:0015356.

Submissions (2):

Ambry Genetics
Classification: Uncertain significance for Hereditary cancer-predisposing syndrome. Last evaluated: 2022-03-02. Review status: criteria provided, single submitter. Criteria: Ambry Variant Classification Scheme 2023. Collection method: clinical testing. Allele origin: germline.
Comment: The p.Q7P variant (also known as c.20A>C), located in coding exon 1 of the MEN1 gene, results from an A to C substitution at nucleotide position 20. The glutamine at codon 7 is replaced by proline, an amino acid with similar properties. This amino acid position is conserved. In addition, this alteration is predicted to be deleterious by in silico analysis. Since supporting evidence is limited at this time, the clinical significance of this alteration remains unclear.

Clinical Genetics and Genomics, Karolinska University Hospital
Classification: Pathogenic. Last evaluated: 2014-08-11. Review status: criteria provided, single submitter. Criteria: ACMG Guidelines, 2015. Collection method: clinical testing. Allele origin: germline. Affected: yes. Observed: 1 variant allele.

NM_001370259.2(MEN1):c.20A>C (p.Gln7Pro)

Gene: MEN1 (menin 1; minus strand). Cytogenetic location: 11q13.1.
Variant type: single nucleotide variant.
Coding change: c.20A>C on transcript NM_001370259.2 (MANE Select); coding-DNA position 20, A replaced by C.
Protein change: p.Gln7Pro; replaces glutamine 7 with proline.
Molecular consequence: missense variant.
Genome position (GRCh38, 1-based): chr11:64,810,090, T>G on the plus strand (A>C on the coding strand, the complement: MEN1 is on the minus strand). VCF-style: chr11-64810090-T-G. GRCh37 (hg19) VCF-style: chr11-64577562-T-G.
Other names: c.20A>C, p.Gln7Pro (NM_000244.4, NM_001370251.2, NM_001370260.2 and 9 more transcripts); short protein forms Q7P.
Identifiers: ClinVar variation 988502 (VCV000988502.4), dbSNP rs1942026974, ClinGen allele CA381188291.